The following is an entry in ClinVar:

ClinVar aggregate classification (germline): Likely pathogenic. Review status: criteria provided, multiple submitters, no conflicts (2 of 4 stars). 2 submissions from 2 submitters: Likely pathogenic (2). Last evaluated 2025-12-10.

Conditions:
Nemaline myopathy 2 (NEM2). Also called: Nemaline myopathy 2, autosomal recessive. Identifiers: MedGen C1850569, MONDO:0009725, OMIM 256030.
Arthrogryposis multiplex congenita 6. Identifiers: MedGen C5543431, MONDO:0030281, OMIM 619334.

Submissions (2):

Natera, Inc.
Classification: Likely pathogenic for Nemaline myopathy type 2. Last evaluated: 2025-12-10. Review status: criteria provided, single submitter. Criteria: Natera Variant Classification Schema (03/2026). Collection method: clinical testing. Allele origin: germline.
Comment: The c.24001A>T variant in NEB is a nonsense variant predicted to introduce a stop codon at amino acid 8001. This variant is expected to result in nonsense mediated decay, truncation, or a dysfunctional protein product. This variant is rare in the general population with a frequency below the threshold expected for the associated phenotype(s). Given the available evidence, this variant is classified as Likely Pathogenic.

Juno Genomics, Hangzhou Juno Genomics, Inc
Classification: Likely pathogenic for Nemaline myopathy 2; Arthrogryposis multiplex congenita 6. Review status: criteria provided, single submitter. Criteria: ACMG Guidelines, 2015. Collection method: clinical testing. Allele origin: germline.
Comment: Absent from controls (or at extremely low frequency if recessive) in Genome Aggregation Database.;Null variant in a gene where loss of function (LOF) is a known mechanism of disease.

NM_001164508.2(NEB):c.23896A>T (p.Arg7966Ter)

Genes: RIF1 (replication timing regulatory factor 1; plus strand), NEB (nebulin; minus strand). Cytogenetic location: 2q23.3.
Variant type: single nucleotide variant.
Coding change: c.23896A>T on transcript NM_001164508.2 (MANE Select); coding-DNA position 23896, A replaced by T.
Protein change: p.Arg7966Ter; replaces arginine 7966 with a stop codon.
Molecular consequence: nonsense.
Genome position (GRCh38, 1-based): chr2:151,502,825, T>A on the plus strand (A>T on the coding strand, the complement: NEB is on the minus strand). VCF-style: chr2-151502825-T-A. GRCh37 (hg19) VCF-style: chr2-152359339-T-A.
Other names: c.18793A>T, p.Arg6265Ter (NM_004543.5); c.23896A>T, p.Arg7966Ter (NM_001164507.2); c.24001A>T, p.Arg8001Ter (NM_001271208.2); short protein forms R6265*, R7966*, R8001*.
Identifiers: ClinVar variation 4814763 (VCV004814763.3).